The following is an entry in ClinVar:

NM_000051.4(ATM):c.4930A>G (p.Met1644Val)

Gene: ATM (ATM serine/threonine kinase; plus strand). Cytogenetic location: 11q22.3.
Variant type: single nucleotide variant.
Coding change: c.4930A>G on transcript NM_000051.4 (MANE Select); coding-DNA position 4930, A replaced by G.
Protein change: p.Met1644Val; replaces methionine 1644 with valine.
Molecular consequence: missense variant.
Genome position (GRCh38, 1-based): chr11:108,297,307, A>G. VCF-style: chr11-108297307-A-G. GRCh37 (hg19) VCF-style: chr11-108168034-A-G.
Other names: c.4930A>G, p.Met1644Val (NM_001351834.2); short protein forms M1644V.
Identifiers: ClinVar variation 642331 (VCV000642331.10), dbSNP rs1591692514, ClinGen allele CA382538119.
Genomic context (GRCh38, chr11:108,297,307, plus strand): 5'-TCATGCTAGTTTAAACTAATTTTTAAAAAATTATTTCTAGATAATCCGCAAGATGGGATT[A>G]TGGTGAAACTAGTTGTCAATTTGTTGCAGTTATCCAAGATGGCAATAAACCACACTGGTG-3'
Protein context (NP_000042.3, residues 1634-1654): ASQDNPQDGI[Met1644Val]VKLVVNLLQL

ClinVar aggregate classification (germline): Uncertain significance (1 of 4 stars; one submission).

Conditions:
Ataxia-telangiectasia syndrome (AT). Also called: LOUIS-BAR SYNDROME; Ataxia-telangiectasia, complementation group E; Ataxia-telangiectasia, complementation group D; AT, COMPLEMENTATION GROUP C; Ataxia telangiectasia (A-T); Cerebello-oculocutaneous telangiectasia. Identifiers: Orphanet 100, MedGen C0004135, MONDO:0008840, OMIM 208900.

Submission:

Labcorp Genetics (formerly Invitae), Labcorp
Classification: Uncertain significance for Ataxia-telangiectasia syndrome. Last evaluated: 2025-08-07. Review status: criteria provided, single submitter. Criteria: Invitae Variant Classification Sherloc (09022015). Collection method: clinical testing. Allele origin: germline.
Comment: This sequence change replaces methionine, which is neutral and non-polar, with valine, which is neutral and non-polar, at codon 1644 of the ATM protein (p.Met1644Val). This variant is not present in population databases (gnomAD no frequency). This variant has not been reported in the literature in individuals affected with ATM-related conditions. ClinVar contains an entry for this variant (Variation ID: 642331). Invitae Evidence Modeling of protein sequence and biophysical properties (such as structural, functional, and spatial information, amino acid conservation, physicochemical variation, residue mobility, and thermodynamic stability) indicates that this missense variant is not expected to disrupt ATM protein function with a negative predictive value of 95%. In summary, the available evidence is currently insufficient to determine the role of this variant in disease. Therefore, it has been classified as a Variant of Uncertain Significance.